The following is an entry in ClinVar:

NM_001563.4(IMPG1):c.2380T>C (p.Trp794Arg)

Gene: IMPG1 (interphotoreceptor matrix proteoglycan 1; minus strand). Cytogenetic location: 6q14.1.
Variant type: single nucleotide variant.
Coding change: c.2380T>C on transcript NM_001563.4 (MANE Select); coding-DNA position 2380, T replaced by C.
Protein change: p.Trp794Arg; replaces tryptophan 794 with arginine.
Molecular consequence: missense variant.
Genome position (GRCh38, 1-based): chr6:75,922,103, A>G on the plus strand (T>C on the coding strand, the complement: IMPG1 is on the minus strand). VCF-style: chr6-75922103-A-G. GRCh37 (hg19) VCF-style: chr6-76631820-A-G.
Other names: c.2146T>C, p.Trp716Arg (NM_001282368.2); short protein forms W794R, W716R.
Identifiers: ClinVar variation 3860454 (VCV003860454.2).
Genomic context (GRCh38, chr6:75,922,103, plus strand): 5'-CATCTCTCTTGAGATAGCCTAAATGATAATTGTACATTTTCAGTTTTTAATTTCCTTCCC[A>G]ATCTTGATGGTTAAATTCTTCATATTCTACGGTCAGTAATTCAGAATTTCTTTTACTGAT-3'
Protein context (NP_001554.2, residues 784-797): VEYEEFNHQD[Trp794Arg]EGN

ClinVar aggregate classification (germline): Uncertain significance. Review status: criteria provided, multiple submitters, no conflicts (2 of 4 stars). 2 submissions from 2 submitters: Uncertain significance (2). Last evaluated 2025-04-08.

gnomAD v4.1: 11 of 1,344,018 alleles (0.00082%); highest among the groups gnomAD compares: Non-Finnish European, 0.0012%; no homozygotes.

Submissions (2):

Labcorp Genetics (formerly Invitae), Labcorp
Classification: Uncertain significance. Last evaluated: 2025-04-08. Review status: criteria provided, single submitter. Criteria: Invitae Variant Classification Sherloc (09022015). Collection method: clinical testing. Allele origin: germline.
Comment: This sequence change replaces tryptophan, which is neutral and slightly polar, with arginine, which is basic and polar, at codon 794 of the IMPG1 protein (p.Trp794Arg). This variant is not present in population databases (gnomAD no frequency). This variant has not been reported in the literature in individuals affected with IMPG1-related conditions. An algorithm developed to predict the effect of missense changes on protein structure and function (PolyPhen-2) suggests that this variant is likely to be disruptive. In summary, the available evidence is currently insufficient to determine the role of this variant in disease. Therefore, it has been classified as a Variant of Uncertain Significance.

Ambry Genetics
Classification: Uncertain significance. Last evaluated: 2024-12-30. Review status: criteria provided, single submitter. Criteria: Ambry Variant Classification Scheme 2023. Collection method: clinical testing. Allele origin: germline.